The following is an entry in ClinVar:

NM_015352.2(POFUT1):c.542+1G>A

Gene: POFUT1 (protein O-fucosyltransferase 1; plus strand). Cytogenetic location: 20q11.21.
Variant type: single nucleotide variant.
Coding change: c.542+1G>A on transcript NM_015352.2 (MANE Select); the canonical splice donor site of the intron after coding-DNA position 542, G replaced by A.
Molecular consequence: splice donor variant.
Genome position (GRCh38, 1-based): chr20:32,216,722, G>A. VCF-style: chr20-32216722-G-A. GRCh37 (hg19) VCF-style: chr20-30804525-G-A.
Other names: c.542+1G>A (NM_172236.2).
Identifiers: ClinVar variation 5040499 (VCV005040499.1).
Genomic context (GRCh38, chr20:32,216,722, plus strand): 5'-GTCGGAGCTTTTTACAGGCATTTCCTTCAGTGCTTCCTACAGAGAACAATGGAGCCAGAG[G>A]TACTTGGAGGGGGTAGCGTTTCTGGGTTTAGGGGAGGCGCATGGAGCTCATGAGCATTCA-3'

ClinVar aggregate classification (germline): Pathogenic (1 of 4 stars; one submission).

Submission:

CeGaT Center for Human Genetics Tuebingen
Classification: Pathogenic. Last evaluated: 2026-08-01. Review status: criteria provided, single submitter. Criteria: CeGaT Center For Human Genetics Tuebingen Variant Classification Criteria Version 2. Collection method: clinical testing. Allele origin: germline. Affected: yes. Observed: 1 variant allele.
Comment: POFUT1: PVS1, PM2